The following is an entry in ClinVar:

NM_004369.4(COL6A3):c.3071-16G>A

Gene: COL6A3 (collagen type VI alpha 3 chain; minus strand). Cytogenetic location: 2q37.3.
Variant type: single nucleotide variant.
Coding change: c.3071-16G>A on transcript NM_004369.4 (MANE Select); 16 bases into the intron before coding-DNA position 3071, G replaced by A.
Molecular consequence: intron variant.
Genome position (GRCh38, 1-based): chr2:237,375,036, C>T on the plus strand (G>A on the coding strand, the complement: COL6A3 is on the minus strand). VCF-style: chr2-237375036-C-T. GRCh37 (hg19) VCF-style: chr2-238283679-C-T.
Other names: c.1250-16G>A (NM_057166.5); c.2453-16G>A (NM_057167.4, NM_057165.5); c.1850-16G>A (NM_057164.5).
Identifiers: ClinVar variation 94918 (VCV000094918.20), dbSNP rs73998896, ClinGen allele CA147940.

ClinVar aggregate classification (germline): Benign/Likely benign. Review status: criteria provided, multiple submitters, no conflicts (2 of 4 stars). 9 submissions from 9 submitters: Benign (3); Likely benign (3). 3 of the submissions do not count toward it. Last evaluated 2026-02-01.

Conditions:
Bethlem myopathy 1A. Also called: Bethlem myopathy 1; Bethlem Muscular Dystrophy; MYOPATHY, BENIGN CONGENITAL, WITH CONTRACTURES. Identifiers: Orphanet 610, MedGen CN029274, MONDO:0024530, OMIM 158810.
Ullrich congenital muscular dystrophy 1A. Also called: Ullrich congenital muscular dystrophy 1; Intermediate COL6-RD. Identifiers: Orphanet 75840, MedGen C0410179, MONDO:0009681, OMIM 254090.
Dystonia 27 (DYT27). Identifiers: Orphanet 464440, MedGen C4225336, MONDO:0014627, OMIM 616411.

Allele frequency attached by ClinVar (database versions not stated): ExAC 0.00575; 1000 Genomes Project 30x 0.01749; gnomAD 0.01822 and 0.01707; TOPMed 0.01854; 1000 Genomes Project 0.01577; ESP Exome Variant Server 0.02030.
gnomAD v4.1: 5,894 of 1,612,704 alleles (0.37%); highest among the groups gnomAD compares: African/African-American, 5.7%; 145 homozygotes.

Submissions (9):

Labcorp Genetics (formerly Invitae), Labcorp
Classification: Benign for Bethlem myopathy 1A. Last evaluated: 2026-02-01. Review status: criteria provided, single submitter. Criteria: Invitae Variant Classification Sherloc (09022015). Collection method: clinical testing. Allele origin: germline.

Fulgent Genetics
Classification: Likely benign for Bethlem myopathy 1A; Ullrich congenital muscular dystrophy 1A; Dystonia 27. Last evaluated: 2021-08-06. Review status: criteria provided, single submitter. Criteria: ACMG Guidelines, 2015. Collection method: clinical testing. Allele origin: unknown.

GeneDx
Classification: Benign. Last evaluated: 2016-06-20. Review status: criteria provided, single submitter. Criteria: GeneDx Variant Classification (06012015). Collection method: clinical testing. Allele origin: germline. Affected: yes.
Comment: This variant is considered likely benign or benign based on one or more of the following criteria: it is a conservative change, it occurs at a poorly conserved position in the protein, it is predicted to be benign by multiple in silico algorithms, and/or has population frequency not consistent with disease.

Eurofins Ntd Llc (ga)
Classification: Benign. Last evaluated: 2012-11-05. Review status: criteria provided, single submitter. Criteria: EGL Classification Definitions 2015. Collection method: clinical testing. Allele origin: germline. Observed: 1 variant allele, 1 heterozygote.

Breakthrough Genomics
Classification: Likely benign. Review status: criteria provided, single submitter. Criteria: ACMG Guidelines, 2015. Collection method: not provided. Allele origin: germline. Inheritance: Autosomal recessive inheritance. Affected: yes.

PreventionGenetics, part of Exact Sciences
Classification: Likely benign. Review status: criteria provided, single submitter. Criteria: ACMG Guidelines, 2015. Collection method: clinical testing. Allele origin: germline.

Clinical Genetics, Academic Medical Center
Classification: Benign. Review status: no assertion criteria provided. Collection method: clinical testing. Allele origin: germline. Affected: yes. Study: VKGL Data-share Consensus. Not counted in ClinVar's aggregate classification.

Joint Genome Diagnostic Labs from Nijmegen and Maastricht, Radboudumc and MUMC+
Classification: Benign. Review status: no assertion criteria provided. Collection method: clinical testing. Allele origin: germline. Affected: yes. Study: VKGL Data-share Consensus. Not counted in ClinVar's aggregate classification.

Laboratory of Diagnostic Genome Analysis, Leiden University Medical Center (LUMC)
Classification: Likely benign. Review status: no assertion criteria provided. Collection method: clinical testing. Allele origin: germline. Affected: yes. Study: VKGL Data-share Consensus. Not counted in ClinVar's aggregate classification.